The following is an entry in ClinVar:

NM_001346249.2(RALGAPA1):c.2579C>T (p.Ala860Val)

Gene: RALGAPA1 (Ral GTPase activating protein catalytic subunit alpha 1; minus strand). Cytogenetic location: 14q13.2.
Variant type: single nucleotide variant.
Coding change: c.2579C>T on transcript NM_001346249.2 (MANE Select); coding-DNA position 2579, C replaced by T.
Protein change: p.Ala860Val; replaces alanine 860 with valine.
Molecular consequence: missense variant. On other transcripts: intron variant (8).
Genome position (GRCh38, 1-based): chr14:35,689,832, G>A on the plus strand (C>T on the coding strand, the complement: RALGAPA1 is on the minus strand). VCF-style: chr14-35689832-G-A. GRCh37 (hg19) VCF-style: chr14-36159038-G-A.
Other names: c.2438C>T, p.Ala813Val (NM_001330075.3, NM_001346248.2); c.2434+4C>T (NM_194301.4, NM_001346246.2, NM_014990.3 and 2 more transcripts); c.2575+4C>T (NM_001346247.2, NM_001283044.3, NM_001346245.2); short protein forms A860V, A813V.
Identifiers: ClinVar variation 2283910 (VCV002283910.2), dbSNP rs1273834365, ClinGen allele CA613804672.

ClinVar aggregate classification (germline): Uncertain significance (1 of 4 stars; one submission).

Conditions:
Inborn genetic diseases. Identifiers: MedGen C0950123, MeSH D030342.

Allele frequency attached by ClinVar (database versions not stated): TOPMed 0.00001.

Submission:

Ambry Genetics
Classification: Uncertain significance for Inborn genetic diseases. Last evaluated: 2022-05-10. Review status: criteria provided, single submitter. Criteria: Ambry Variant Classification Scheme 2023. Collection method: clinical testing. Allele origin: germline.
Comment: The c.2434+4C>T intronic alteration consists of a C to T substitution nucleotides after coding exon 17 in the RALGAPA1 gene. Based on insufficient or conflicting evidence, the clinical significance of this alteration remains unclear.